The following is an entry in ClinVar:

NM_004304.5(ALK):c.3686T>A (p.Val1229Glu)

Gene: ALK (ALK receptor tyrosine kinase; minus strand). Cytogenetic location: 2p23.2.
Variant type: single nucleotide variant.
Coding change: c.3686T>A on transcript NM_004304.5 (MANE Select); coding-DNA position 3686, T replaced by A.
Protein change: p.Val1229Glu; replaces valine 1229 with glutamic acid.
Molecular consequence: missense variant.
Genome position (GRCh38, 1-based): chr2:29,214,041, A>T on the plus strand (T>A on the coding strand, the complement: ALK is on the minus strand). VCF-style: chr2-29214041-A-T. GRCh37 (hg19) VCF-style: chr2-29436907-A-T.
Other names: c.482T>A, p.Val161Glu (NM_001353765.2); short protein forms V1229E, V161E.
Identifiers: ClinVar variation 4273288 (VCV004273288.1).

ClinVar aggregate classification (germline): Uncertain significance (1 of 4 stars; one submission).

Conditions:
Hereditary cancer-predisposing syndrome. Also called: Hereditary Cancer Syndrome; Hereditary neoplastic syndrome; Neoplastic Syndromes, Hereditary; Tumor predisposition. Identifiers: Orphanet 140162, MedGen C0027672, MeSH D009386, MONDO:0015356.

Submission:

Ambry Genetics
Classification: Uncertain significance for Hereditary cancer-predisposing syndrome. Last evaluated: 2025-09-11. Review status: criteria provided, single submitter. Criteria: Ambry Variant Classification Scheme 2023. Collection method: clinical testing. Allele origin: germline.
Comment: The p.V1229E variant (also known as c.3686T>A), located in coding exon 24 of the ALK gene, results from a T to A substitution at nucleotide position 3686. The valine at codon 1229 is replaced by glutamic acid, an amino acid with dissimilar properties. This amino acid position is conserved. In addition, this alteration is predicted to be deleterious by in silico analysis. Based on the available evidence, the clinical significance of this variant remains unclear.